The following is an entry in ClinVar:

NM_198578.4(LRRK2):c.1312T>C (p.Ser438Pro)

Gene: LRRK2 (leucine rich repeat kinase 2; plus strand). Cytogenetic location: 12q12.
Variant type: single nucleotide variant.
Coding change: c.1312T>C on transcript NM_198578.4 (MANE Select); coding-DNA position 1312, T replaced by C.
Protein change: p.Ser438Pro; replaces serine 438 with proline.
Molecular consequence: missense variant.
Genome position (GRCh38, 1-based): chr12:40,257,271, T>C. VCF-style: chr12-40257271-T-C. GRCh37 (hg19) VCF-style: chr12-40651073-T-C.
Other names: short protein forms S438P.
Identifiers: ClinVar variation 1769709 (VCV001769709.2), dbSNP rs750105452, ClinGen allele CA6513347.

ClinVar aggregate classification (germline): Uncertain significance (1 of 4 stars; one submission).

Conditions:
Inborn genetic diseases. Identifiers: MedGen C0950123, MeSH D030342.

Allele frequency attached by ClinVar (database versions not stated): TOPMed below 0.00001; ExAC 0.00002; gnomAD exomes 0.00002.
gnomAD v4.1: 23 of 1,579,970 alleles (0.0015%); highest among the groups gnomAD compares: East Asian, 0.052%; no homozygotes.

Submission:

Ambry Genetics
Classification: Uncertain significance for Inborn genetic diseases. Last evaluated: 2023-10-06. Review status: criteria provided, single submitter. Criteria: Ambry Variant Classification Scheme 2023. Collection method: clinical testing. Allele origin: germline.
Comment: The p.S438P variant (also known as c.1312T>C), located in coding exon 12 of the LRRK2 gene, results from a T to C substitution at nucleotide position 1312. The serine at codon 438 is replaced by proline, an amino acid with similar properties. This amino acid position is conserved. In addition, the in silico prediction for this alteration is inconclusive. Since supporting evidence is limited at this time, the clinical significance of this alteration remains unclear.